The following is an entry in ClinVar:

ClinVar aggregate classification (germline): Pathogenic/Likely pathogenic. Review status: criteria provided, multiple submitters, no conflicts (2 of 4 stars). 6 submissions from 6 submitters: Pathogenic (3); Likely pathogenic (3). Last evaluated 2025-02-18.

Conditions:
Hereditary cancer-predisposing syndrome. Also called: Neoplastic Syndromes, Hereditary; Hereditary Cancer Syndrome; Tumor predisposition; Hereditary neoplastic syndrome. Identifiers: Orphanet 140162, MedGen C0027672, MeSH D009386, MONDO:0015356.
Familial cancer of breast. Also called: Hereditary breast cancer; BREAST CANCER, FAMILIAL; hereditary breast carcinoma. Identifiers: Orphanet 227535, MedGen C0346153, MONDO:0016419, OMIM 114480. Disease mechanism: loss of function.
Ataxia-telangiectasia syndrome (AT). Also called: LOUIS-BAR SYNDROME; Cerebello-oculocutaneous telangiectasia; Immunodeficiency with ataxia telangiectasia; Ataxia-telangiectasia, complementation group D; AT, COMPLEMENTATION GROUP C; Ataxia-telangiectasia, complementation group E. Identifiers: Orphanet 100, MedGen C0004135, MONDO:0008840, OMIM 208900.

Allele frequency attached by ClinVar (database versions not stated): gnomAD exomes below 0.00001 and 0.00001.

Submissions (6):

Natera, Inc.
Classification: Likely pathogenic for Ataxia-telangiectasia. Last evaluated: 2025-02-18. Review status: criteria provided, single submitter. Criteria: Natera Variant Classification Schema (03/2026). Collection method: clinical testing. Allele origin: germline.
Comment: The c.8615_8616del variant in ATM is a frameshift variant predicted to shift the reading frame beginning at codon 2872 and leads to a stop codon 8 codons downstream. This variant is expected to result in nonsense mediated decay, truncation, or a dysfunctional protein product. This variant is rare in the general population with a frequency below the threshold expected for the associated phenotype(s). Given the available evidence, this variant is classified as Likely Pathogenic.

Labcorp Genetics (formerly Invitae), Labcorp
Classification: Pathogenic for Ataxia-telangiectasia syndrome. Last evaluated: 2024-08-07. Review status: criteria provided, single submitter. Criteria: Invitae Variant Classification Sherloc (09022015). Collection method: clinical testing. Allele origin: germline.
Comment: This sequence change creates a premature translational stop signal (p.His2872Argfs*8) in the ATM gene. It is expected to result in an absent or disrupted protein product. Loss-of-function variants in ATM are known to be pathogenic (PMID: 23807571, 25614872). This variant is present in population databases (no rsID available, gnomAD 0.006%). This variant has not been reported in the literature in individuals affected with ATM-related conditions. ClinVar contains an entry for this variant (Variation ID: 479069). For these reasons, this variant has been classified as Pathogenic.

Myriad Genetics, Inc.
Classification: Pathogenic for Familial cancer of breast. Last evaluated: 2024-02-02. Review status: criteria provided, single submitter. Criteria: Myriad Autosomal Dominant, Autosomal Recessive and X-Linked Classification Criteria (2023). Collection method: clinical testing. Allele origin: unknown.
Comment: This variant is considered pathogenic. This variant creates a frameshift predicted to result in premature protein truncation.

Ambry Genetics
Classification: Pathogenic for Hereditary cancer-predisposing syndrome. Last evaluated: 2022-08-25. Review status: criteria provided, single submitter. Criteria: Ambry Variant Classification Scheme 2023. Collection method: clinical testing. Allele origin: germline.
Comment: The c.8615_8616delAT pathogenic mutation, located in coding exon 58 of the ATM gene, results from a deletion of two nucleotides at nucleotide positions 8615 to 8616, causing a translational frameshift with a predicted alternate stop codon (p.H2872Rfs*8). This alteration is expected to result in loss of function by premature protein truncation or nonsense-mediated mRNA decay. As such, this alteration is interpreted as a disease-causing mutation.

Baylor Genetics
Classification: Likely pathogenic for Familial cancer of breast. Last evaluated: 2022-05-29. Review status: criteria provided, single submitter. Criteria: ACMG Guidelines, 2015. Collection method: clinical testing. Allele origin: unknown.

Fulgent Genetics
Classification: Likely pathogenic for Familial cancer of breast; Ataxia-telangiectasia syndrome. Last evaluated: 2022-04-10. Review status: criteria provided, single submitter. Criteria: ACMG Guidelines, 2015. Collection method: clinical testing. Allele origin: unknown.

Literature cited by the submitters: PubMed 23807571 (cited by Labcorp Genetics (formerly Invitae), Labcorp); PubMed 25614872 (cited by Labcorp Genetics (formerly Invitae), Labcorp).

NM_000051.4(ATM):c.8615_8616del (p.His2872fs)

Genes: ATM (ATM serine/threonine kinase; plus strand), C11orf65 (chromosome 11 open reading frame 65; minus strand). Cytogenetic location: 11q22.3.
Variant type: Deletion.
Coding change: c.8615_8616del on transcript NM_000051.4 (MANE Select); coding-DNA positions 8615 to 8616, 2 bases deleted (AT; older notation c.8615_8616delAT).
Protein change: p.His2872fs; shifts the reading frame from histidine 2872.
Molecular consequence: frameshift variant. On other transcripts: intron variant (2).
Genome position (GRCh38, 1-based): chr11:108,347,309-108,347,310, AT deleted. VCF-style (leftmost placement, unchanged base first): chr11-108347308-CAT-C. GRCh37 (hg19) VCF-style: chr11-108218035-CAT-C.
Other names: c.8615_8616delAT, p.His2872Argfs (NM_000051.3); c.8615_8616del, p.His2872fs (NM_001351834.2); c.641-38239_641-38238del (NM_001330368.2); c.695-12018_695-12017del (NM_001351110.2); short protein forms H2872fs.
Identifiers: ClinVar variation 479069 (VCV000479069.13), dbSNP rs1232259438, ClinGen allele CA601698941.
Genomic context (GRCh38, chr11:108,347,308, plus strand): 5'-ATTTCAGATTGTTTGTTTCTTTTTTCTCCAGTTGGTTACATACTTGGACTTGGTGATAGA[CAT>C]GTACAGAATATCTTGATAAATGAGCAGTCAGCAGAACTTGTACATATAGATCTAGGTAAG-3'